The following is an entry in ClinVar:

NM_001243925.2(MAPKAPK3):c.31G>C (p.Gly11Arg)

Gene: MAPKAPK3 (MAPK activated protein kinase 3; plus strand). Cytogenetic location: 3p21.2.
Variant type: single nucleotide variant.
Coding change: c.31G>C on transcript NM_001243925.2 (MANE Select); coding-DNA position 31, G replaced by C.
Protein change: p.Gly11Arg; replaces glycine 11 with arginine.
Molecular consequence: missense variant.
Genome position (GRCh38, 1-based): chr3:50,617,596, G>C. VCF-style: chr3-50617596-G-C. GRCh37 (hg19) VCF-style: chr3-50655027-G-C.
Other names: c.31G>C, p.Gly11Arg (NM_001243926.2, NM_004635.5); short protein forms G11R.
Identifiers: ClinVar variation 2132227 (VCV002132227.4), dbSNP rs147044454, ClinGen allele CA352961342.
Genomic context (GRCh38, chr3:50,617,596, plus strand): 5'-GGGGCCGCCTCTGAGCGCCCCGCGGGGGCCATGGATGGTGAAACAGCAGAGGAGCAGGGG[G>C]GCCCTGTGCCCCCGCCAGTTGCACCCGGCGGACCCGGCTTGGGCGGTGCTCCGGGGGGGC-3'
Protein context (NP_001230854.1, residues 1-21): MDGETAEEQG[Gly11Arg]PVPPPVAPGG

ClinVar aggregate classification (germline): Uncertain significance (1 of 4 stars; one submission).

gnomAD v4.1: 2 of 1,593,668 alleles (0.00013%); highest among the groups gnomAD compares: Admixed American, 0.0017%; no homozygotes.

Submission:

Labcorp Genetics (formerly Invitae), Labcorp
Classification: Uncertain significance. Last evaluated: 2024-11-11. Review status: criteria provided, single submitter. Criteria: Invitae Variant Classification Sherloc (09022015). Collection method: clinical testing. Allele origin: germline.
Comment: This sequence change replaces glycine, which is neutral and non-polar, with arginine, which is basic and polar, at codon 11 of the MAPKAPK3 protein (p.Gly11Arg). This variant is present in population databases (no rsID available, gnomAD 0.003%). This variant has not been reported in the literature in individuals affected with MAPKAPK3-related conditions. ClinVar contains an entry for this variant (Variation ID: 2132227). An algorithm developed to predict the effect of missense changes on protein structure and function (PolyPhen-2) suggests that this variant is likely to be tolerated. In summary, the available evidence is currently insufficient to determine the role of this variant in disease. Therefore, it has been classified as a Variant of Uncertain Significance.